The following is an entry in ClinVar:

ClinVar aggregate classification (germline): Uncertain significance (1 of 4 stars; one submission).

Conditions:
Familial thoracic aortic aneurysm and aortic dissection (TAAD). Also called: Thoracic aortic aneurysms and dissections. Identifiers: Orphanet 91387, MedGen C4707243, MONDO:0019625.

Allele frequency attached by ClinVar (database versions not stated): gnomAD exomes below 0.00001; TOPMed below 0.00001; gnomAD 0.00001.
gnomAD v4.1: 1 of 1,613,950 alleles (0.000062%); highest among the groups gnomAD compares: Non-Finnish European, 0.000085%; no homozygotes.

Submission:

Ambry Genetics
Classification: Uncertain significance for Familial thoracic aortic aneurysm and aortic dissection. Last evaluated: 2017-10-13. Review status: criteria provided, single submitter. Criteria: Ambry Variant Classification Scheme 2023. Collection method: clinical testing. Allele origin: germline.
Comment: The p.F1465C variant (also known as c.4394T>G), located in coding exon 51 of the COL3A1 gene, results from a T to G substitution at nucleotide position 4394. The phenylalanine at codon 1465 is replaced by cysteine, an amino acid with highly dissimilar properties. This amino acid position is highly conserved in available vertebrate species. In addition, this alteration is predicted to be deleterious by in silico analysis. Since supporting evidence is limited at this time, the clinical significance of this alteration remains unclear.

NM_000090.4(COL3A1):c.4394T>G (p.Phe1465Cys)

Gene: COL3A1 (collagen type III alpha 1 chain; plus strand). Cytogenetic location: 2q32.2.
Variant type: single nucleotide variant.
Coding change: c.4394T>G on transcript NM_000090.4 (MANE Select); coding-DNA position 4394, T replaced by G.
Protein change: p.Phe1465Cys; replaces phenylalanine 1465 with cysteine.
Molecular consequence: missense variant.
Genome position (GRCh38, 1-based): chr2:189,011,767, T>G. VCF-style: chr2-189011767-T-G. GRCh37 (hg19) VCF-style: chr2-189876493-T-G.
Other names: short protein forms F1465C.
Identifiers: ClinVar variation 519619 (VCV000519619.5), dbSNP rs1553510018, ClinGen allele CA349850494.